The following is an entry in ClinVar:

ClinVar aggregate classification (germline): Uncertain significance (1 of 4 stars; one submission).

gnomAD v4.1: 5 of 1,613,858 alleles (0.00031%); highest among the groups gnomAD compares: Non-Finnish European, 0.00042%; no homozygotes.

Submission:

Labcorp Genetics (formerly Invitae), Labcorp
Classification: Uncertain significance. Last evaluated: 2021-07-28. Review status: criteria provided, single submitter. Criteria: Invitae Variant Classification Sherloc (09022015). Collection method: clinical testing. Allele origin: germline.
Comment: This sequence change replaces arginine with serine at codon 55 of the TYRP1 protein (p.Arg55Ser). The arginine residue is weakly conserved and there is a moderate physicochemical difference between arginine and serine. This variant is not present in population databases (ExAC no frequency). This variant has not been reported in the literature in individuals affected with TYRP1-related conditions. Algorithms developed to predict the effect of missense changes on protein structure and function output the following: SIFT: "Tolerated"; PolyPhen-2: "Benign"; Align-GVGD: "Class C0". The serine amino acid residue is found in multiple mammalian species, which suggests that this missense change does not adversely affect protein function. In summary, the available evidence is currently insufficient to determine the role of this variant in disease. Therefore, it has been classified as a Variant of Uncertain Significance.

NM_000550.3(TYRP1):c.163C>A (p.Arg55Ser)

Gene: TYRP1 (tyrosinase related protein 1; plus strand). Cytogenetic location: 9p23.
Variant type: single nucleotide variant.
Coding change: c.163C>A on transcript NM_000550.3 (MANE Select); coding-DNA position 163, C replaced by A.
Protein change: p.Arg55Ser; replaces arginine 55 with serine.
Molecular consequence: missense variant.
Genome position (GRCh38, 1-based): chr9:12,694,159, C>A. VCF-style: chr9-12694159-C-A. GRCh37 (hg19) VCF-style: chr9-12694159-C-A.
Other names: short protein forms R55S.
Identifiers: ClinVar variation 1368803 (VCV001368803.3), dbSNP rs751545422, ClinGen allele CA372936331.
Genomic context (GRCh38, chr9:12,694,159, plus strand): 5'-GCTTTGAGAAGTGGTATGTGTTGCCCAGACCTGTCCCCTGTGTCTGGGCCTGGGACAGAC[C>A]GCTGTGGCTCATCATCAGGGAGGGGCAGATGTGAGGCAGTGACTGCAGACTCCCGGCCCC-3'
Protein context (NP_000541.1, residues 45-65): LSPVSGPGTD[Arg55Ser]CGSSSGRGRC